The following is an entry in ClinVar:

ClinVar aggregate classification (germline): Uncertain significance. Review status: criteria provided, multiple submitters, no conflicts (2 of 4 stars). 3 submissions from 3 submitters: Uncertain significance (3). Last evaluated 2025-08-30.

Conditions:
Cardiovascular phenotype. Identifiers: MedGen CN230736.
ANKRD1-related dilated cardiomyopathy. Identifiers: MedGen CN119551.

Allele frequency attached by ClinVar (database versions not stated): gnomAD exomes below 0.00001; TOPMed below 0.00001; ExAC 0.00001; gnomAD 0.00001.
gnomAD v4.1: 12 of 1,613,668 alleles (0.00074%); highest among the groups gnomAD compares: East Asian, 0.011%; no homozygotes.

Submissions (3):

Ambry Genetics
Classification: Uncertain significance for Cardiovascular phenotype. Last evaluated: 2025-08-30. Review status: criteria provided, single submitter. Criteria: Ambry Variant Classification Scheme 2023. Collection method: clinical testing. Allele origin: germline.
Comment: The p.E233Q variant (also known as c.697G>C), located in coding exon 7 of the ANKRD1 gene, results from a G to C substitution at nucleotide position 697. The glutamic acid at codon 233 is replaced by glutamine, an amino acid with highly similar properties. This amino acid position is well conserved in available vertebrate species. In addition, this alteration is predicted to be tolerated by in silico analysis. The evidence for this gene-disease relationship is limited; therefore, the clinical significance of this alteration is unclear.

Labcorp Genetics (formerly Invitae), Labcorp
Classification: Uncertain significance for ANKRD1-related dilated cardiomyopathy. Last evaluated: 2025-08-29. Review status: criteria provided, single submitter. Criteria: Invitae Variant Classification Sherloc (09022015). Collection method: clinical testing. Allele origin: germline.
Comment: This sequence change replaces glutamic acid, which is acidic and polar, with glutamine, which is neutral and polar, at codon 233 of the ANKRD1 protein (p.Glu233Gln). This variant is present in population databases (rs776158687, gnomAD 0.006%). This missense change has been observed in individual(s) with hypertrophic cardiomyopathy (PMID: 27532257). ClinVar contains an entry for this variant (Variation ID: 201666). Invitae Evidence Modeling of protein sequence and biophysical properties (such as structural, functional, and spatial information, amino acid conservation, physicochemical variation, residue mobility, and thermodynamic stability) indicates that this missense variant is not expected to disrupt ANKRD1 protein function with a negative predictive value of 80%. In summary, the available evidence is currently insufficient to determine the role of this variant in disease. Therefore, it has been classified as a Variant of Uncertain Significance.

GeneDx
Classification: Uncertain significance. Last evaluated: 2023-06-12. Review status: criteria provided, single submitter. Criteria: GeneDx Variant Classification Process June 2021. Collection method: clinical testing. Allele origin: germline. Affected: yes.
Comment: Not observed at significant frequency in large population cohorts (gnomAD); In silico analysis supports that this missense variant does not alter protein structure/function; Observed in an individual with hypertrophic cardiomyopathy (Walsh et al., 2017); This variant is associated with the following publications: (PMID: 27532257, 28704380)

Literature cited by the submitters: PubMed 27532257 (cited by Labcorp Genetics (formerly Invitae), Labcorp).

NM_014391.3(ANKRD1):c.697G>C (p.Glu233Gln)

Gene: ANKRD1 (ankyrin repeat domain 1; minus strand). Cytogenetic location: 10q23.31.
Variant type: single nucleotide variant.
Coding change: c.697G>C on transcript NM_014391.3 (MANE Select); coding-DNA position 697, G replaced by C.
Protein change: p.Glu233Gln; replaces glutamic acid 233 with glutamine.
Molecular consequence: missense variant.
Genome position (GRCh38, 1-based): chr10:90,915,835, C>G on the plus strand (G>C on the coding strand, the complement: ANKRD1 is on the minus strand). VCF-style: chr10-90915835-C-G. GRCh37 (hg19) VCF-style: chr10-92675592-C-G.
Other names: p.E233Q:GAG>CAG; short protein forms E233Q.
Identifiers: ClinVar variation 201666 (VCV000201666.15), dbSNP rs776158687, ClinGen allele CA335074.
Genomic context (GRCh38, chr10:90,915,835, plus strand): 5'-TACTCACTCTGTCTTTGGCGTTGAGGTCTGCCTCACAGGCGATAAGATGCTCCGCGCACT[C>G]ATAGTGGCCAGTCCTCACCGCCACATGCAGCGCTGTGCTGAGCAACTGGAAAATTGGAAA-3'
Protein context (NP_055206.2, residues 223-243): LHVAVRTGHY[Glu233Gln]CAEHLIACEA